The following is an entry in ClinVar:

NM_004369.4(COL6A3):c.1604A>T (p.Asn535Ile)

Gene: COL6A3 (collagen type VI alpha 3 chain; minus strand). Cytogenetic location: 2q37.3.
Variant type: single nucleotide variant.
Coding change: c.1604A>T on transcript NM_004369.4 (MANE Select); coding-DNA position 1604, A replaced by T.
Protein change: p.Asn535Ile; replaces asparagine 535 with isoleucine.
Molecular consequence: missense variant.
Genome position (GRCh38, 1-based): chr2:237,381,208, T>A on the plus strand (A>T on the coding strand, the complement: COL6A3 is on the minus strand). VCF-style: chr2-237381208-T-A. GRCh37 (hg19) VCF-style: chr2-238289851-T-A.
Other names: c.383A>T, p.Asn128Ile (NM_057164.5, NM_057166.5); c.986A>T, p.Asn329Ile (NM_057165.5, NM_057167.4); short protein forms N128I, N329I, N535I.
Identifiers: ClinVar variation 2872611 (VCV002872611.3), dbSNP rs2469929171, ClinGen allele CA351217481.
Genomic context (GRCh38, chr2:237,381,208, plus strand): 5'-AGCACCAAAAGCTTAGGAATCCCCTCGGCAGCCCGGTAGCCGGCTGAACTCGTGAATAGG[T>A]TGTTACGAACAAAGTCTAGAGCAGAGCCCGTGTACAGGGCCGAGCCGTCCAGGGGCTTCA-3'
Protein context (NP_004360.2, residues 525-545): TGSALDFVRN[Asn535Ile]LFTSSAGYRA

ClinVar aggregate classification (germline): Uncertain significance (1 of 4 stars; one submission).

Conditions:
Bethlem myopathy 1A. Also called: Bethlem myopathy 1; MYOPATHY, BENIGN CONGENITAL, WITH CONTRACTURES; Bethlem Muscular Dystrophy. Identifiers: Orphanet 610, MedGen CN029274, MONDO:0024530, OMIM 158810.

Allele frequency attached by ClinVar (database versions not stated): gnomAD exomes below 0.00001.
gnomAD v4.1: 1 of 1,614,242 alleles (0.000062%); highest among the groups gnomAD compares: African/African-American, 0.0013%; no homozygotes.

Submission:

Labcorp Genetics (formerly Invitae), Labcorp
Classification: Uncertain significance for Bethlem myopathy 1A. Last evaluated: 2023-03-30. Review status: criteria provided, single submitter. Criteria: Invitae Variant Classification Sherloc (09022015). Collection method: clinical testing. Allele origin: germline.
Comment: In summary, the available evidence is currently insufficient to determine the role of this variant in disease. Therefore, it has been classified as a Variant of Uncertain Significance. Advanced modeling of protein sequence and biophysical properties (such as structural, functional, and spatial information, amino acid conservation, physicochemical variation, residue mobility, and thermodynamic stability) performed at Invitae indicates that this missense variant is not expected to disrupt COL6A3 protein function. This variant has not been reported in the literature in individuals affected with COL6A3-related conditions. This variant is not present in population databases (gnomAD no frequency). This sequence change replaces asparagine, which is neutral and polar, with isoleucine, which is neutral and non-polar, at codon 535 of the COL6A3 protein (p.Asn535Ile).